The following is an entry in ClinVar:

ClinVar aggregate classification (germline): Likely benign. Review status: criteria provided, multiple submitters, no conflicts (2 of 4 stars). 4 submissions from 4 submitters: Likely benign (4). Last evaluated 2025-02-26.

Allele frequency attached by ClinVar (database versions not stated): gnomAD 0.00016 and 0.00018; TOPMed 0.00016; ExAC 0.00023; ESP Exome Variant Server 0.00044; 1000 Genomes Project 0.00060; 1000 Genomes Project 30x 0.00062.
gnomAD v4.1: 356 of 1,550,068 alleles (0.023%); highest among the groups gnomAD compares: Non-Finnish European, 0.028%; no homozygotes.

Submissions (4):

Mayo Clinic Laboratories, Mayo Clinic
Classification: Likely benign. Last evaluated: 2025-02-26. Review status: criteria provided, single submitter. Criteria: ACMG Guidelines, 2015. Collection method: clinical testing. Allele origin: germline. Observed: 3 variant alleles.
Comment: BP4, BP7

Blueprint Genetics
Classification: Likely benign. Last evaluated: 2024-09-05. Review status: criteria provided, single submitter. Criteria: ACMG Guidelines, 2015. Collection method: clinical testing. Allele origin: germline.

CeGaT Center for Human Genetics Tuebingen
Classification: Likely benign. Last evaluated: 2023-11-01. Review status: criteria provided, single submitter. Criteria: CeGaT Center For Human Genetics Tuebingen Variant Classification Criteria Version 2. Collection method: clinical testing. Allele origin: germline. Affected: yes. Observed: 1 variant allele.
Comment: PIEZO1: BP4, BP7

Labcorp Genetics (formerly Invitae), Labcorp
Classification: Likely benign. Last evaluated: 2022-04-28. Review status: criteria provided, single submitter. Criteria: Invitae Variant Classification Sherloc (09022015). Collection method: clinical testing. Allele origin: germline.

NM_001142864.4(PIEZO1):c.5133C>T (p.Pro1711=)

Gene: PIEZO1 (piezo type mechanosensitive ion channel component 1 (Er blood group); minus strand). Cytogenetic location: 16q24.3.
Variant type: single nucleotide variant.
Coding change: c.5133C>T on transcript NM_001142864.4 (MANE Select); coding-DNA position 5133, C replaced by T.
Protein change: p.Pro1711=; no amino-acid change (proline 1711 retained).
Molecular consequence: synonymous variant.
Genome position (GRCh38, 1-based): chr16:88,721,889, G>A on the plus strand (C>T on the coding strand, the complement: PIEZO1 is on the minus strand). VCF-style: chr16-88721889-G-A. GRCh37 (hg19) VCF-style: chr16-88788297-G-A.
Other names: p.Pro1711=.
Identifiers: ClinVar variation 755206 (VCV000755206.33), dbSNP rs181441468, ClinGen allele CA8231955.